The following is an entry in ClinVar:

ClinVar aggregate classification (germline): Uncertain significance (1 of 4 stars; one submission).

gnomAD v4.1: 7 of 1,152,174 alleles (0.00061%); highest among the groups gnomAD compares: Non-Finnish European, 0.00087%; no homozygotes.

Submission:

GeneDx
Classification: Uncertain significance. Last evaluated: 2024-06-14. Review status: criteria provided, single submitter. Criteria: GeneDx Variant Classification Process June 2021. Collection method: clinical testing. Allele origin: germline. Affected: yes.
Comment: In silico analysis supports that this missense variant has a deleterious effect on protein structure/function; Not observed at significant frequency in large population cohorts (gnomAD); Has not been previously published as pathogenic or benign to our knowledge

NM_018116.4(MSTO1):c.1640A>G (p.Asp547Gly)

Gene: MSTO1 (misato mitochondrial distribution and morphology regulator 1; plus strand). Cytogenetic location: 1q22.
Variant type: single nucleotide variant.
Coding change: c.1640A>G on transcript NM_018116.4 (MANE Select); coding-DNA position 1640, A replaced by G.
Protein change: p.Asp547Gly; replaces aspartic acid 547 with glycine.
Molecular consequence: missense variant. On other transcripts: stop lost (6), non-coding transcript variant (6).
Genome position (GRCh38, 1-based): chr1:155,614,200, A>G. VCF-style: chr1-155614200-A-G. GRCh37 (hg19) VCF-style: chr1-155583991-A-G.
Other names: c.1637A>G, p.Asp546Gly (NM_001256532.1); c.1604A>G, p.Asp535Gly (NM_001256533.1); c.1607A>G, p.Asp536Gly (NM_001350772.1); c.1677A>G, p.Ter559Trp (NM_001350773.1); c.1674A>G, p.Ter558Trp (NM_001350774.1); c.1665A>G, p.Ter555Trp (NM_001350775.1); c.1475A>G, p.Asp492Gly (NM_001350776.1); c.1109A>G, p.Asp370Gly (NM_001350777.1, NM_001350778.1, NM_001350779.1); and 7 more; short protein forms D355G, D366G, D368G, D369G, D370G, D492G, D535G, D536G.
Identifiers: ClinVar variation 3390816 (VCV003390816.1).